The following is an entry in ClinVar:

NM_001379500.1(COL18A1):c.3172G>T (p.Glu1058Ter)

Genes: COL18A1 (collagen type XVIII alpha 1 chain; plus strand), SLC19A1 (solute carrier family 19 member 1; minus strand). Cytogenetic location: 21q22.3.
Variant type: single nucleotide variant.
Coding change: c.3172G>T on transcript NM_001379500.1 (MANE Select); coding-DNA position 3172, G replaced by T.
Protein change: p.Glu1058Ter; replaces glutamic acid 1058 with a stop codon.
Molecular consequence: nonsense.
Genome position (GRCh38, 1-based): chr21:45,505,922, G>T. VCF-style: chr21-45505922-G-T. GRCh37 (hg19) VCF-style: chr21-46925836-G-T.
Other names: c.3703G>T, p.Glu1235Ter (NM_030582.4); c.4408G>T, p.Glu1470Ter (NM_130444.3); short protein forms E1058*, E1235*, E1470*.
Identifiers: ClinVar variation 1454929 (VCV001454929.6), dbSNP rs1335050702, ClinGen allele CA410499996.
Genomic context (GRCh38, chr21:45,505,922, plus strand): 5'-GCCATGCTGGGCCAGGTGCACGAGGTTCCCGAGGGCTGGCTCATCTTCGTGGCCGAGCAG[G>T]AGGAGCTCTACGTCCGCGTGCAGAACGGGTTCCGGAAGGTCCAGGTGAGCGCTCTGTGTG-3'

ClinVar aggregate classification (germline): Pathogenic (1 of 4 stars; one submission).

gnomAD v4.1: 2 of 1,613,210 alleles (0.00012%); highest among the groups gnomAD compares: Non-Finnish European, 0.00017%; no homozygotes.

Submission:

Labcorp Genetics (formerly Invitae), Labcorp
Classification: Pathogenic. Last evaluated: 2022-10-04. Review status: criteria provided, single submitter. Criteria: Invitae Variant Classification Sherloc (09022015). Collection method: clinical testing. Allele origin: germline.
Comment: For these reasons, this variant has been classified as Pathogenic. ClinVar contains an entry for this variant (Variation ID: 1454929). This variant has not been reported in the literature in individuals affected with COL18A1-related conditions. This variant is not present in population databases (gnomAD no frequency). This sequence change creates a premature translational stop signal (p.Glu1055*) in the COL18A1 gene. It is expected to result in an absent or disrupted protein product. Loss-of-function variants in COL18A1 are known to be pathogenic (PMID: 12415512, 25456301).

Literature cited by the submitters: PubMed 12415512; PubMed 25456301.